The following is an entry in ClinVar:

NM_005465.7(AKT3):c.520T>C (p.Tyr174His)

Gene: AKT3 (AKT serine/threonine kinase 3; minus strand). Cytogenetic location: 1q44.
Variant type: single nucleotide variant.
Coding change: c.520T>C on transcript NM_005465.7 (MANE Select); coding-DNA position 520, T replaced by C.
Protein change: p.Tyr174His; replaces tyrosine 174 with histidine.
Molecular consequence: missense variant.
Genome position (GRCh38, 1-based): chr1:243,637,652, A>G on the plus strand (T>C on the coding strand, the complement: AKT3 is on the minus strand). VCF-style: chr1-243637652-A-G. GRCh37 (hg19) VCF-style: chr1-243800954-A-G.
Other names: c.520T>C, p.Tyr174His (NM_001206729.2, NM_001370074.1, NM_181690.2); short protein forms Y174H.
Identifiers: ClinVar variation 1302550 (VCV001302550.2), dbSNP rs1187260557, ClinGen allele CA345669736.

ClinVar aggregate classification (germline): Uncertain significance (1 of 4 stars; one submission).

Allele frequency attached by ClinVar (database versions not stated): gnomAD 0.00001.
gnomAD v4.1: 1 of 1,607,730 alleles (0.000062%); highest among the groups gnomAD compares: African/African-American, 0.0013%; no homozygotes.

Submission:

GeneDx
Classification: Uncertain significance. Last evaluated: 2019-07-22. Review status: criteria provided, single submitter. Criteria: GeneDx Variant Classification Process June 2021. Collection method: clinical testing. Allele origin: germline. Affected: yes.
Comment: In silico analysis, which includes protein predictors and evolutionary conservation, supports a deleterious effect; Has not been previously published as pathogenic or benign to our knowledge